The following is an entry in ClinVar:

NM_000492.4(CFTR):c.3297C>A (p.Phe1099Leu)

Genes: CFTR (CF transmembrane conductance regulator; plus strand), CFTR-AS2 (CFTR antisense RNA 2; minus strand), LOC111674472 (DNase I hypersensitive sites in introns 16 and 17a of CFTR; plus strand). Cytogenetic location: 7q31.2.
Variant type: single nucleotide variant.
Coding change: c.3297C>A on transcript NM_000492.4 (MANE Select); coding-DNA position 3297, C replaced by A.
Protein change: p.Phe1099Leu; replaces phenylalanine 1099 with leucine.
Molecular consequence: missense variant.
Genome position (GRCh38, 1-based): chr7:117,611,738, C>A. VCF-style: chr7-117611738-C-A. GRCh37 (hg19) VCF-style: chr7-117251792-C-A.
Other names: p.Phe1099Leu; short protein forms F1099L.
Identifiers: ClinVar variation 286681 (VCV000286681.35), dbSNP rs747754623, ClinGen allele CA4451420.

ClinVar aggregate classification (germline): Conflicting classifications of pathogenicity. Review status: criteria provided, conflicting classifications (1 of 4 stars). 14 submissions from 13 submitters: Pathogenic (5); Likely pathogenic (5); Uncertain significance (2). 2 of the submissions do not count toward it. Last evaluated 2026-01-31.

Conditions:
Bronchiectasis with or without elevated sweat chloride 1 (BESC1). Also called: Cystic Fibrosis-Like Syndrome. Identifiers: Orphanet 60033, MedGen C2749757, MONDO:0008887, OMIM 211400.
Cystic fibrosis (CF). Also called: MUCOVISCIDOSIS. Identifiers: Orphanet 586, MedGen C0010674, MONDO:0009061, OMIM 219700. Disease mechanism: loss of function.
CFTR-related disorder (CFTR-RD). Also called: CFTR-related condition; CFTR-related disorders. Identifiers: MedGen C5924204, MONDO:7770004.
Congenital bilateral aplasia of vas deferens from CFTR mutation (CBAVD). Identifiers: Orphanet 48, MedGen C0403814, MONDO:0010178, OMIM 277180. Disease mechanism: loss of function.

Allele frequency attached by ClinVar (database versions not stated): gnomAD exomes 0.00002; ExAC 0.00005; gnomAD 0.00010 and 0.00011; TOPMed 0.00011.
gnomAD v4.1: 27 of 1,613,322 alleles (0.0017%); highest among the groups gnomAD compares: African/African-American, 0.033%; no homozygotes.

Submissions (14):

Labcorp Genetics (formerly Invitae), Labcorp
Classification: Likely pathogenic for Cystic fibrosis. Last evaluated: 2026-01-31. Review status: criteria provided, single submitter. Criteria: Invitae Variant Classification Sherloc (09022015). Collection method: clinical testing. Allele origin: germline.
Comment: This sequence change replaces phenylalanine, which is neutral and non-polar, with leucine, which is neutral and non-polar, at codon 1099 of the CFTR protein (p.Phe1099Leu). This variant is present in population databases (rs747754623, gnomAD 0.02%). This missense change has been observed in individual(s) with clinical features of cystic fibrosis (PMID: 16189704, 26098992, 31788264, 33567498). In at least one individual the data is consistent with being in trans (on the opposite chromosome) from a pathogenic variant. ClinVar contains an entry for this variant (Variation ID: 286681). Invitae Evidence Modeling of protein sequence and biophysical properties (such as structural, functional, and spatial information, amino acid conservation, physicochemical variation, residue mobility, and thermodynamic stability) indicates that this missense variant is not expected to disrupt CFTR protein function with a negative predictive value of 80%. Experimental studies have shown that this missense change affects CFTR function (PMID: 29805046, 31788264, 33567498). In summary, the currently available evidence indicates that the variant is pathogenic, but additional data are needed to prove that conclusively. Therefore, this variant has been classified as Likely Pathogenic.

Johns Hopkins Genomics, Johns Hopkins University
Classification: Likely pathogenic for Cystic fibrosis. Last evaluated: 2025-09-05. Review status: criteria provided, single submitter. Criteria: ACMG Guidelines, 2015. Collection method: clinical testing. Allele origin: germline.
Comment: CFTR variant associated with varying clinical consequence. See CFTR2 for phenotype information.

Natera, Inc.
Classification: Likely pathogenic for CFTR-related disorders. Last evaluated: 2025-08-07. Review status: criteria provided, single submitter. Criteria: Natera Variant Classification Schema (03/2026). Collection method: clinical testing. Allele origin: germline.
Comment: The c.3297C>A variant in CFTR is a missense variant predicted to cause substitution of phenylalanine to leucine at amino acid 1099. This variant is rare in the general population with a frequency below the threshold expected for the associated phenotype(s). This variant has been observed in one or more individuals affected with the associated recessive disease, as either homozygous or compound heterozygous with a second variant (PMID: 16189704). Functional studies show that this variant may disrupt protein function (PMID: 29805046, 38388235). Computational prediction algorithms indicate this variant is likely to affect gene or protein function. Given the available evidence, this variant is classified as Likely Pathogenic.

Women's Health and Genetics/Laboratory Corporation of America, LabCorp
Classification: Pathogenic for Cystic fibrosis. Last evaluated: 2025-07-22. Review status: criteria provided, single submitter. Criteria: LabCorp Variant Classification Summary - May 2015. Collection method: clinical testing. Allele origin: germline.
Comment: Variant summary: CFTR c.3297C>A (p.Phe1099Leu) results in a non-conservative amino acid change located in the second ABC transporter type 1 transmembrane domain (IPR011527) of the encoded protein sequence. Algorithms developed to predict the effect of missense changes on protein structure and function are either unavailable or do not agree on the potential impact of this missense change. The variant allele was found at a frequency of 1.6e-05 in 251098 control chromosomes. c.3297C>A has been reported in the literature in compound heterozygous state together with a pathogenic variant in individuals affected with Cystic Fibrosis or CFTR-related disorder, but was also reported in individuals presenting with intermediate sweat chloride levels either with features of CF or who were asymptomatic (e.g. McGinniss_2005, McCague_2019, Degrugillier_2019, Zhang_2021, Gunnet_2023). These data indicate that the variant is likely to be associated with disease, but commonly with a variable and/or milder phenotype. Several publications reported experimental evidence evaluating an impact on protein function and found that the variant is associated with reduced protein maturation efficiency and a decreased overall channel conductance, resulting in approximately 4-25% of WT channel function (e.g. Raraigh_2018, Degrugillier_2019, Zhang_2021, Bihler_2024). The following publications have been ascertained in the context of this evaluation (PMID: 31788264, 26098992, 30888834, 16189704, 29805046, 26708955, 33567498, 38388235). ClinVar contains an entry for this variant (Variation ID: 286681). Based on the evidence outlined above, the variant was classified as pathogenic.

Baylor Genetics
Classification: Pathogenic for Bronchiectasis with or without elevated sweat chloride 1. Last evaluated: 2024-03-23. Review status: criteria provided, single submitter. Criteria: ACMG Guidelines, 2015. Collection method: clinical testing. Allele origin: unknown.

Ambry Genetics
Classification: Pathogenic for Cystic fibrosis. Last evaluated: 2022-12-21. Review status: criteria provided, single submitter. Criteria: Ambry Variant Classification Scheme 2023. Collection method: clinical testing. Allele origin: germline.
Comment: The p.F1099L variant (also known as c.3297C>A), located in coding exon 20 of the CFTR gene, results from a C to A substitution at nucleotide position 3297. The phenylalanine at codon 1099 is replaced by leucine, an amino acid with highly similar properties. The p.F1099L alteration has been reported as a variant of varying clinical consequences (VVCC) (The Clinical and Functional TRanslation of CFTR (CFTR2); available at CFTR2. Accessed December 20, 2022). This variant has been confirmed in trans and identified likely in trans with a CFTR pathogenic variant in multiple individuals with clinical features of cystic fibrosis and CFTR-related disorders (McGinniss MJ et al. Hum Genet, 2005 Dec;118:331-8; Degrugillier F et al. Clin Case Rep, 2019 Nov;7:2128-2134; Zhang X et al. Life (Basel), 2021 Feb;11; Ambry internal data). This variant has 15% of wild type function in The Clinical and Functional TRanslation of CFTR (CFTR2) database (available at CFTR2. Accessed December 20, 2022). Another functional study showed that the maturation of p.F1099L was decreased compared to wild type CFTR (Degrugillier F et al. Clin Case Rep, 2019 Nov;7:2128-2134; Zhang X et al. Life (Basel), 2021 Feb;11). This amino acid position is highly conserved in available vertebrate species. In addition, this alteration is predicted to be deleterious by in silico analysis. Based on the supporting evidence, this alteration is interpreted as a disease-causing mutation.

Blueprint Genetics
Classification: Likely pathogenic for CFTR-related disorders. Last evaluated: 2022-10-13. Review status: criteria provided, single submitter. Criteria: ACMG Guidelines, 2015. Collection method: clinical testing. Allele origin: germline. Affected: yes. Observed: 2 variant alleles.

Mayo Clinic Laboratories, Mayo Clinic
Classification: Pathogenic. Last evaluated: 2021-10-18. Review status: criteria provided, single submitter. Criteria: ACMG Guidelines, 2015. Collection method: clinical testing. Allele origin: germline.
Comment: PM2, PM3_strong, PS3

Quest Diagnostics Nichols Institute San Juan Capistrano
Classification: Uncertain significance. Last evaluated: 2019-07-02. Review status: criteria provided, single submitter. Criteria: Quest Diagnostics criteria. Collection method: clinical testing. Allele origin: germline.

Clinical Genetics and Genomics, Karolinska University Hospital
Classification: Likely pathogenic. Last evaluated: 2019-05-17. Review status: criteria provided, single submitter. Criteria: ACMG Guidelines, 2015. Collection method: clinical testing. Allele origin: germline. Affected: yes. Observed: 2 variant alleles.

Eurofins Ntd Llc (ga)
Classification: Uncertain significance. Last evaluated: 2016-04-08. Review status: criteria provided, single submitter. Criteria: EGL Classification Definitions 2015. Collection method: clinical testing. Allele origin: germline. Observed: 1 variant allele, 1 heterozygote.

Baylor Genetics
Classification: Pathogenic for Congenital bilateral aplasia of vas deferens from CFTR mutation; Cystic fibrosis. Review status: criteria provided, single submitter. Criteria: ACMG Guidelines, 2015. Collection method: clinical testing. Allele origin: germline.

PreventionGenetics, part of Exact Sciences
Classification: Likely pathogenic for CFTR-related condition. Last evaluated: 2024-01-16. Review status: no assertion criteria provided. Collection method: clinical testing. Allele origin: germline. Not counted in ClinVar's aggregate classification.
Comment: The CFTR c.3297C>A variant is predicted to result in the amino acid substitution p.Phe1099Leu. In vitro studies show that this variant results in reduced protein processing and maturation, fewer CFTR channels at the cell surface and, reduced overall CFTR protein function (Raraigh et al. 2018. PubMed ID: 29805046; Degrugillier et al. 2019. PubMed ID: 31788264; Zhang et al. 2021 PubMed ID: 33567498). This variant is listed as a variant of varying clinical consequence (VVCC) in the CFTR2 database. This variant is reported in 0.016% of alleles in individuals of African descent in gnomAD. Taken together, this variant is interpreted as likely pathogenic.

Counsyl
Classification: Uncertain significance for Cystic fibrosis. Last evaluated: 2017-08-08. Review status: no assertion criteria provided. Collection method: clinical testing. Allele origin: unknown. Not counted in ClinVar's aggregate classification.

Literature cited by the submitters: PubMed 16189704 (cited by 7 submitters); PubMed 26098992 (cited by 4 submitters); PubMed 31788264 (cited by 3 submitters); PubMed 33567498 (cited by 5 submitters); PubMed 29805046 (cited by 7 submitters); PubMed 38388235 (cited by 3 submitters); PubMed 26708955 (cited by 3 submitters); PubMed 30888834 (cited by Women's Health and Genetics/Laboratory Corporation of America, LabCorp); PubMed 36969284 (cited by Women's Health and Genetics/Laboratory Corporation of America, LabCorp).